The following is an entry in ClinVar:

ClinVar aggregate classification (germline): Uncertain significance (1 of 4 stars; one submission).

Conditions:
Cardiovascular phenotype. Identifiers: MedGen CN230736.

Submission:

Ambry Genetics
Classification: Uncertain significance for Cardiovascular phenotype. Last evaluated: 2023-10-12. Review status: criteria provided, single submitter. Criteria: Ambry Variant Classification Scheme 2023. Collection method: clinical testing. Allele origin: germline.
Comment: The p.I523L variant (also known as c.1567A>T), located in coding exon 1 of the DOLK gene, results from an A to T substitution at nucleotide position 1567. The isoleucine at codon 523 is replaced by leucine, an amino acid with highly similar properties. This amino acid position is conserved. In addition, the in silico prediction for this alteration is inconclusive. Since supporting evidence is limited at this time, the clinical significance of this alteration remains unclear.

NM_014908.4(DOLK):c.1567A>T (p.Ile523Leu)

Gene: DOLK (dolichol kinase; minus strand). Cytogenetic location: 9q34.11.
Variant type: single nucleotide variant.
Coding change: c.1567A>T on transcript NM_014908.4 (MANE Select); coding-DNA position 1567, A replaced by T.
Protein change: p.Ile523Leu; replaces isoleucine 523 with leucine.
Molecular consequence: missense variant.
Genome position (GRCh38, 1-based): chr9:128,945,737, T>A on the plus strand (A>T on the coding strand, the complement: DOLK is on the minus strand). VCF-style: chr9-128945737-T-A. GRCh37 (hg19) VCF-style: chr9-131708016-T-A.
Other names: short protein forms I523L.
Identifiers: ClinVar variation 3226326 (VCV003226326.1), dbSNP rs761985083, ClinGen allele CA375115520.